The following is an entry in ClinVar:

NM_004960.4(FUS):c.1493G>A (p.Arg498Gln)

Gene: FUS (FUS RNA binding protein; plus strand). Cytogenetic location: 16p11.2.
Variant type: single nucleotide variant.
Coding change: c.1493G>A on transcript NM_004960.4 (MANE Select); coding-DNA position 1493, G replaced by A.
Protein change: p.Arg498Gln; replaces arginine 498 with glutamine.
Molecular consequence: missense variant. On other transcripts: non-coding transcript variant (1).
Genome position (GRCh38, 1-based): chr16:31,191,062, G>A. VCF-style: chr16-31191062-G-A. GRCh37 (hg19) VCF-style: chr16-31202383-G-A.
Other names: c.1490G>A, p.Arg497Gln (NM_001170634.1); c.1481G>A, p.Arg494Gln (NM_001170937.1); short protein forms R494Q, R497Q, R498Q.
Identifiers: ClinVar variation 1676221 (VCV001676221.5), dbSNP rs781554309, ClinGen allele CA8024074.
Genomic context (GRCh38, chr16:31,191,062, plus strand): 5'-GCTATGATCGAGGCGGCTACCGGGGCCGCGGCGGGGACCGTGGAGGCTTCCGAGGGGGCC[G>A]GGGTGGTGGGGACAGAGGTGGCTTTGGCCCTGGCAAGATGGATTCCAGGTAAGACTTTAA-3'
Protein context (NP_004951.1, residues 488-508): GGDRGGFRGG[Arg498Gln]GGGDRGGFGP

ClinVar aggregate classification (germline): Uncertain significance. Review status: criteria provided, multiple submitters, no conflicts (2 of 4 stars). 2 submissions from 2 submitters: Uncertain significance (2). Last evaluated 2023-03-30.

Conditions:
Inborn genetic diseases. Identifiers: MedGen C0950123, MeSH D030342.
Amyotrophic lateral sclerosis type 6. Also called: Amyotrophic lateral sclerosis 6, with or without frontotemporal dementia; FUS-Related Amyotrophic Laterial Sclerosis; AMYOTROPHIC LATERAL SCLEROSIS 6 WITHOUT FRONTOTEMPORAL DEMENTIA. Identifiers: Orphanet 275872, Orphanet 803, MedGen C2931786, MONDO:0011951, OMIM 608030.

Allele frequency attached by ClinVar (database versions not stated): gnomAD exomes below 0.00001 and 0.00001; gnomAD 0.00001; ExAC 0.00002.
gnomAD v4.1: 6 of 1,613,226 alleles (0.00037%); highest among the groups gnomAD compares: Non-Finnish European, 0.00051%; no homozygotes.

Submissions (2):

Molecular Genetics, Royal Melbourne Hospital
Classification: Uncertain significance for Amyotrophic lateral sclerosis type 6. Last evaluated: 2023-03-30. Review status: criteria provided, single submitter. Criteria: ACMG Guidelines, 2015. Collection method: clinical testing. Allele origin: germline.
Comment: This sequence change is predicted to replace arginine with glutamine at codon 498 of the FUS protein, p.(Arg498Gln). The arginine residue is highly conserved (100 vertebrates, UCSC), and is an asymmetric dimethylarginine in the C-terminal RRG domain that regulates nucleocytoplasmic localisation of the protein (PMID: 29547565). There is a small physicochemical difference between arginine and glutamine. The variant is present in a large population cohort at a frequency of 0.001% (3/279,432 alleles, 0 homozygotes in gnomAD v2.1), and has not been reported in the relevant medical literature or databases. Multiple lines of computational evidence have conflicting predictions for the missense substitution (4/6 algorithms predict benign). Based on the classification scheme RMH Modified ACMG Guidelines v1.4.0, this variant is classified as a VARIANT OF UNCERTAIN SIGNIFICANCE. Following criteria are met: PM1.

Ambry Genetics
Classification: Uncertain significance for Inborn genetic diseases. Last evaluated: 2021-12-06. Review status: criteria provided, single submitter. Criteria: Ambry Variant Classification Scheme 2023. Collection method: clinical testing. Allele origin: germline.

Literature cited by the submitters: PubMed 29547565 (cited by Molecular Genetics, Royal Melbourne Hospital).